The following is an entry in ClinVar:

ClinVar aggregate classification (germline): Uncertain significance. Review status: criteria provided, multiple submitters, no conflicts (2 of 4 stars). 2 submissions from 2 submitters: Uncertain significance (2). Last evaluated 2025-12-25.

Allele frequency attached by ClinVar (database versions not stated): gnomAD 0.00001; gnomAD exomes 0.00001; TOPMed 0.00001.

Submissions (2):

Labcorp Genetics (formerly Invitae), Labcorp
Classification: Uncertain significance. Last evaluated: 2025-12-25. Review status: criteria provided, single submitter. Criteria: Invitae Variant Classification Sherloc (09022015). Collection method: clinical testing. Allele origin: germline.
Comment: This sequence change replaces histidine, which is basic and polar, with tyrosine, which is neutral and polar, at codon 32 of the KLHL9 protein (p.His32Tyr). This variant is present in population databases (no rsID available, gnomAD 0.003%). This variant has not been reported in the literature in individuals affected with KLHL9-related conditions. ClinVar contains an entry for this variant (Variation ID: 1474897). Invitae Evidence Modeling of protein sequence and biophysical properties (such as structural, functional, and spatial information, amino acid conservation, physicochemical variation, residue mobility, and thermodynamic stability) indicates that this missense variant is not expected to disrupt KLHL9 protein function with a negative predictive value of 80%. In summary, the available evidence is currently insufficient to determine the role of this variant in disease. Therefore, it has been classified as a Variant of Uncertain Significance.

Ambry Genetics
Classification: Uncertain significance. Last evaluated: 2025-06-24. Review status: criteria provided, single submitter. Criteria: Ambry Variant Classification Scheme 2023. Collection method: clinical testing. Allele origin: germline.

NM_018847.4(KLHL9):c.94C>T (p.His32Tyr)

Gene: KLHL9 (kelch like family member 9; minus strand). Cytogenetic location: 9p21.3.
Variant type: single nucleotide variant.
Coding change: c.94C>T on transcript NM_018847.4 (MANE Select); coding-DNA position 94, C replaced by T.
Protein change: p.His32Tyr; replaces histidine 32 with tyrosine.
Molecular consequence: missense variant.
Genome position (GRCh38, 1-based): chr9:21,334,766, G>A on the plus strand (C>T on the coding strand, the complement: KLHL9 is on the minus strand). VCF-style: chr9-21334766-G-A. GRCh37 (hg19) VCF-style: chr9-21334765-G-A.
Other names: c.94C>T (NM_018847.2); short protein forms H32Y.
Identifiers: ClinVar variation 1474897 (VCV001474897.7), dbSNP rs1016347649, ClinGen allele CA190667668.